The following is an entry in ClinVar:

ClinVar aggregate classification (germline): Uncertain significance (1 of 4 stars; one submission).

Submission:

CeGaT Center for Human Genetics Tuebingen
Classification: Uncertain significance. Last evaluated: 2026-07-01. Review status: criteria provided, single submitter. Criteria: CeGaT Center For Human Genetics Tuebingen Variant Classification Criteria Version 2. Collection method: clinical testing. Allele origin: germline. Affected: yes. Observed: 1 variant allele.
Comment: EFTUD2: PM2, PP2

NM_004247.4(EFTUD2):c.2543C>A (p.Thr848Asn)

Gene: EFTUD2 (elongation factor Tu GTP binding domain containing 2; minus strand). Cytogenetic location: 17q21.31.
Variant type: single nucleotide variant.
Coding change: c.2543C>A on transcript NM_004247.4 (MANE Select); coding-DNA position 2543, C replaced by A.
Protein change: p.Thr848Asn; replaces threonine 848 with asparagine.
Molecular consequence: missense variant.
Genome position (GRCh38, 1-based): chr17:44,853,314, G>T on the plus strand (C>A on the coding strand, the complement: EFTUD2 is on the minus strand). VCF-style: chr17-44853314-G-T. GRCh37 (hg19) VCF-style: chr17-42930682-G-T.
Other names: c.2438C>A, p.Thr813Asn (NM_001142605.2); c.2543C>A, p.Thr848Asn (NM_001258353.2); c.2513C>A, p.Thr838Asn (NM_001258354.2); short protein forms T813N, T838N, T848N.
Identifiers: ClinVar variation 5040042 (VCV005040042.1).
Genomic context (GRCh38, chr17:44,853,314, plus strand): 5'-CTTGCTCTCAGCACTCTCCCTAATACGCCTGGGGCCGCTCACCTGCGCCTGGCCAGGACG[G>T]TATAAACTGCAGAGACGCAATCTGCAGGGGCCTGGACCTCTACAAAGTAGTAAGGCTCCA-3'
Protein context (NP_004238.3, residues 838-858): APADCVSAVY[Thr848Asn]VLARRRGHVT